The following is an entry in ClinVar:

NM_004371.4(COPA):c.1732G>A (p.Val578Ile)

Gene: COPA (coat protein complex I subunit alpha; minus strand). Cytogenetic location: 1q23.2.
Variant type: single nucleotide variant.
Coding change: c.1732G>A on transcript NM_004371.4 (MANE Select); coding-DNA position 1732, G replaced by A.
Protein change: p.Val578Ile; replaces valine 578 with isoleucine.
Molecular consequence: missense variant.
Genome position (GRCh38, 1-based): chr1:160,299,200, C>T on the plus strand (G>A on the coding strand, the complement: COPA is on the minus strand). VCF-style: chr1-160299200-C-T. GRCh37 (hg19) VCF-style: chr1-160268990-C-T.
Other names: c.1759G>A, p.Val587Ile (NM_001098398.2); short protein forms V578I, V587I.
Identifiers: ClinVar variation 2582164 (VCV002582164.4), dbSNP rs2525368728, ClinGen allele CA343281044.

ClinVar aggregate classification (germline): Uncertain significance. Review status: criteria provided, multiple submitters, no conflicts (2 of 4 stars). 2 submissions from 2 submitters: Uncertain significance (2). Last evaluated 2025-03-31.

Conditions:
Autoimmune interstitial lung disease-arthritis syndrome. Also called: Autoinflammation and autoimmunity, systemic, with immune dysregulation. Identifiers: Orphanet 444092, MedGen C5975714, MONDO:0014629.

Submissions (2):

Labcorp Genetics (formerly Invitae), Labcorp
Classification: Uncertain significance for Autoimmune interstitial lung disease-arthritis syndrome. Last evaluated: 2025-03-31. Review status: criteria provided, single submitter. Criteria: Invitae Variant Classification Sherloc (09022015). Collection method: clinical testing. Allele origin: germline.
Comment: This sequence change replaces valine, which is neutral and non-polar, with isoleucine, which is neutral and non-polar, at codon 578 of the COPA protein (p.Val578Ile). This variant is not present in population databases (gnomAD no frequency). This variant has not been reported in the literature in individuals affected with COPA-related conditions. ClinVar contains an entry for this variant (Variation ID: 2582164). Invitae Evidence Modeling of protein sequence and biophysical properties (such as structural, functional, and spatial information, amino acid conservation, physicochemical variation, residue mobility, and thermodynamic stability) indicates that this missense variant is not expected to disrupt COPA protein function with a negative predictive value of 80%. In summary, the available evidence is currently insufficient to determine the role of this variant in disease. Therefore, it has been classified as a Variant of Uncertain Significance.

GeneDx
Classification: Uncertain significance. Last evaluated: 2023-03-30. Review status: criteria provided, single submitter. Criteria: GeneDx Variant Classification Process June 2021. Collection method: clinical testing. Allele origin: germline. Affected: yes.
Comment: Not observed at significant frequency in large population cohorts (gnomAD); In silico analysis supports that this missense variant does not alter protein structure/function; Has not been previously published as pathogenic or benign to our knowledge